The following is an entry in ClinVar:

NM_000321.3(RB1):c.2389T>G (p.Leu797Val)

Gene: RB1 (RB transcriptional corepressor 1; plus strand). Cytogenetic location: 13q14.2.
Variant type: single nucleotide variant.
Coding change: c.2389T>G on transcript NM_000321.3 (MANE Select); coding-DNA position 2389, T replaced by G.
Protein change: p.Leu797Val; replaces leucine 797 with valine.
Molecular consequence: missense variant.
Genome position (GRCh38, 1-based): chr13:48,465,268, T>G. VCF-style: chr13-48465268-T-G. GRCh37 (hg19) VCF-style: chr13-49039404-T-G.
Other names: c.2389T>G, p.Leu797Val (NM_001407165.1); short protein forms L797V.
Identifiers: ClinVar variation 3073542 (VCV003073542.1), dbSNP rs2138345745, ClinGen allele CA388167878.

ClinVar aggregate classification (germline): Uncertain significance (1 of 4 stars; one submission).

Conditions:
Retinoblastoma (RB1). Also called: RETINOBLASTOMA, SOMATIC. Identifiers: Orphanet 790, MedGen C0035335, MeSH D012175, MONDO:0008380, OMIM 180200, HP:0009919. Disease mechanism: loss of function. Inheritance: Both sporadic and heritable forms are tested..

Submission:

All of Us Research Program, National Institutes of Health
Classification: Uncertain significance for Retinoblastoma. Last evaluated: 2023-10-02. Review status: criteria provided, single submitter. Criteria: ACMG Guidelines, 2015. Collection method: clinical testing. Allele origin: germline. Inheritance: Autosomal dominant inheritance. Observed: 1 variant allele, 1 heterozygote.
Comment: This missense variant replaces leucine with valine at codon 797 of the RB1 protein. Computational prediction suggests that this variant may not impact protein structure and function (internally defined REVEL score threshold <= 0.5, PMID: 27666373). To our knowledge, functional studies have not been reported for this variant. This variant has not been reported in individuals affected with RB1-related disorders in the literature. This variant has not been identified in the general population by the Genome Aggregation Database (gnomAD). The available evidence is insufficient to determine the role of this variant in disease conclusively. Therefore, this variant is classified as a Variant of Uncertain Significance.

This study involves interpretation of variants in research participants for the purpose of population health screening. Participant phenotype was not available at the time of variant classification. Additional details can be found in publication PMID: 35346344, PMCID: PMC8962531